The following is an entry in ClinVar:

ClinVar aggregate classification (germline): Uncertain significance. Review status: criteria provided, multiple submitters, no conflicts (2 of 4 stars). 3 submissions from 3 submitters: Uncertain significance (3). Last evaluated 2024-06-16.

Conditions:
Hereditary cancer-predisposing syndrome. Also called: Hereditary neoplastic syndrome; Neoplastic Syndromes, Hereditary; Hereditary Cancer Syndrome; Tumor predisposition. Identifiers: Orphanet 140162, MedGen C0027672, MeSH D009386, MONDO:0015356.
Oligodontia-cancer predisposition syndrome. Also called: TOOTH AGENESIS-COLORECTAL CANCER SYNDROME. Identifiers: Orphanet 300576, MedGen C1837750, MONDO:0012075, OMIM 608615. Disease mechanism: loss of function.

gnomAD v4.1: 1 of 1,603,350 alleles (0.000062%); highest among the groups gnomAD compares: Non-Finnish European, 0.000085%; no homozygotes.

Submissions (3):

Labcorp Genetics (formerly Invitae), Labcorp
Classification: Uncertain significance for Oligodontia-cancer predisposition syndrome. Last evaluated: 2024-06-16. Review status: criteria provided, single submitter. Criteria: Invitae Variant Classification Sherloc (09022015). Collection method: clinical testing. Allele origin: germline.
Comment: This sequence change replaces glycine, which is neutral and non-polar, with aspartic acid, which is acidic and polar, at codon 572 of the AXIN2 protein (p.Gly572Asp). This variant is not present in population databases (gnomAD no frequency). This variant has not been reported in the literature in individuals affected with AXIN2-related conditions. ClinVar contains an entry for this variant (Variation ID: 968295). An algorithm developed to predict the effect of missense changes on protein structure and function (PolyPhen-2) suggests that this variant is likely to be tolerated. In summary, the available evidence is currently insufficient to determine the role of this variant in disease. Therefore, it has been classified as a Variant of Uncertain Significance.

GeneDx
Classification: Uncertain significance. Last evaluated: 2024-01-10. Review status: criteria provided, single submitter. Criteria: GeneDx Variant Classification Process June 2021. Collection method: clinical testing. Allele origin: germline. Affected: yes.
Comment: Not observed at significant frequency in large population cohorts (gnomAD); In silico analysis supports that this missense variant does not alter protein structure/function; Has not been previously published as pathogenic or benign to our knowledge

Ambry Genetics
Classification: Uncertain significance for Hereditary cancer-predisposing syndrome. Last evaluated: 2022-07-17. Review status: criteria provided, single submitter. Criteria: Ambry Variant Classification Scheme 2023. Collection method: clinical testing. Allele origin: germline.
Comment: The p.G572D variant (also known as c.1715G>A), located in coding exon 6 of the AXIN2 gene, results from a G to A substitution at nucleotide position 1715. The glycine at codon 572 is replaced by aspartic acid, an amino acid with similar properties. This amino acid position is conserved. In addition, this alteration is predicted to be tolerated by in silico analysis. Since supporting evidence is limited at this time, the clinical significance of this alteration remains unclear.

NM_004655.4(AXIN2):c.1715G>A (p.Gly572Asp)

Gene: AXIN2 (axin 2; minus strand). Cytogenetic location: 17q24.1.
Variant type: single nucleotide variant.
Coding change: c.1715G>A on transcript NM_004655.4 (MANE Select); coding-DNA position 1715, G replaced by A.
Protein change: p.Gly572Asp; replaces glycine 572 with aspartic acid.
Molecular consequence: missense variant. On other transcripts: intron variant (1).
Genome position (GRCh38, 1-based): chr17:65,537,061, C>T on the plus strand (G>A on the coding strand, the complement: AXIN2 is on the minus strand). VCF-style: chr17-65537061-C-T. GRCh37 (hg19) VCF-style: chr17-63533179-C-T.
Other names: c.1712+263G>A (NM_001363813.1); short protein forms G572D.
Identifiers: ClinVar variation 968295 (VCV000968295.11), dbSNP rs2043937443, ClinGen allele CA400676763.